The following is an entry in ClinVar:

NM_025114.4(CEP290):c.1982T>G (p.Met661Arg)

Gene: CEP290 (centrosomal protein 290; minus strand). Cytogenetic location: 12q21.32.
Variant type: single nucleotide variant.
Coding change: c.1982T>G on transcript NM_025114.4 (MANE Select); coding-DNA position 1982, T replaced by G.
Protein change: p.Met661Arg; replaces methionine 661 with arginine.
Molecular consequence: missense variant.
Genome position (GRCh38, 1-based): chr12:88,114,490, A>C on the plus strand (T>G on the coding strand, the complement: CEP290 is on the minus strand). VCF-style: chr12-88114490-A-C. GRCh37 (hg19) VCF-style: chr12-88508267-A-C.
Other names: short protein forms M661R.
Identifiers: ClinVar variation 1378801 (VCV001378801.3), dbSNP rs2137781691, ClinGen allele CA385976870.

ClinVar aggregate classification (germline): Uncertain significance (1 of 4 stars; one submission).

Conditions:
Joubert syndrome. Also called: CEREBELLOPARENCHYMAL DISORDER IV; JOUBERT-BOLTSHAUSER SYNDROME; Familial aplasia of the vermis. Identifiers: Orphanet 475, MedGen C5979921, MONDO:0018772.
Nephronophthisis. Also called: Juvenile Nephronophthisis. Identifiers: Orphanet 655, MedGen C0687120, MONDO:0019005, HP:0000090.
Meckel-Gruber syndrome. Also called: DYSENCEPHALIA SPLANCHNOCYSTICA; GRUBER SYNDROME; Dysencephalia splachnocystica. Identifiers: Orphanet 564, MedGen C0265215, MONDO:0018921.

Submission:

Labcorp Genetics (formerly Invitae), Labcorp
Classification: Uncertain significance for Joubert syndrome; Meckel-Gruber syndrome; Nephronophthisis. Last evaluated: 2021-08-31. Review status: criteria provided, single submitter. Criteria: Invitae Variant Classification Sherloc (09022015). Collection method: clinical testing. Allele origin: germline.
Comment: This sequence change replaces methionine with arginine at codon 661 of the CEP290 protein (p.Met661Arg). The methionine residue is moderately conserved and there is a moderate physicochemical difference between methionine and arginine. This variant is not present in population databases (ExAC no frequency). This variant has not been reported in the literature in individuals affected with CEP290-related conditions. Algorithms developed to predict the effect of missense changes on protein structure and function (SIFT, PolyPhen-2, Align-GVGD) all suggest that this variant is likely to be tolerated. In summary, the available evidence is currently insufficient to determine the role of this variant in disease. Therefore, it has been classified as a Variant of Uncertain Significance.